The following is an entry in ClinVar:

NM_000093.5(COL5A1):c.713A>G (p.Glu238Gly)

Gene: COL5A1 (collagen type V alpha 1 chain; plus strand). Cytogenetic location: 9q34.3.
Variant type: single nucleotide variant.
Coding change: c.713A>G on transcript NM_000093.5 (MANE Select); coding-DNA position 713, A replaced by G.
Protein change: p.Glu238Gly; replaces glutamic acid 238 with glycine.
Molecular consequence: missense variant.
Genome position (GRCh38, 1-based): chr9:134,727,324, A>G. VCF-style: chr9-134727324-A-G. GRCh37 (hg19) VCF-style: chr9-137619170-A-G.
Other names: c.713A>G (NM_000093.3); c.713A>G, p.Glu238Gly (NM_001278074.1); short protein forms E238G.
Identifiers: ClinVar variation 1359540 (VCV001359540.7), dbSNP rs1433120962, ClinGen allele CA375446303.

ClinVar aggregate classification (germline): Conflicting classifications of pathogenicity. Review status: criteria provided, conflicting classifications (1 of 4 stars). 3 submissions from 3 submitters: Uncertain significance (2); Likely benign (1). Last evaluated 2024-04-23.

Conditions:
Ehlers-Danlos syndrome, classic type, 1 (EDSCL1). Also called: EHLERS-DANLOS SYNDROME, GRAVIS TYPE; EHLERS-DANLOS SYNDROME, SEVERE CLASSIC TYPE; EDS I; Ehlers-Danlos syndrome, type 1; Ehlers-Danlos Syndrome, Classic Type, COL5A1-Related. Identifiers: MedGen C0268335, MONDO:0019567, OMIM 130000.

Allele frequency attached by ClinVar (database versions not stated): gnomAD exomes 0.00001.
gnomAD v4.1: 4 of 1,613,968 alleles (0.00025%); highest among the groups gnomAD compares: Non-Finnish European, 0.00034%; no homozygotes.

Submissions (3):

Labcorp Genetics (formerly Invitae), Labcorp
Classification: Likely benign for Ehlers-Danlos syndrome, classic type, 1. Last evaluated: 2024-04-23. Review status: criteria provided, single submitter. Criteria: Invitae Variant Classification Sherloc (09022015). Collection method: clinical testing. Allele origin: germline.

GeneDx
Classification: Uncertain significance. Last evaluated: 2022-08-25. Review status: criteria provided, single submitter. Criteria: GeneDx Variant Classification Process June 2021. Collection method: clinical testing. Allele origin: germline. Affected: yes.
Comment: Has not been previously published as pathogenic or benign in association with a COL5A1-related disorder to our knowledge; Not observed at significant frequency in large population cohorts (gnomAD); Not located in the triple helical region, where the majority of pathogenic missense variants occur (Symoens et al., 2012; HGMD); In silico analysis supports that this missense variant has a deleterious effect on protein structure/function; This variant is associated with the following publications: (PMID: 29924831, 22696272)

Blueprint Genetics
Classification: Uncertain significance. Last evaluated: 2020-06-23. Review status: criteria provided, single submitter. Criteria: ACMG Guidelines, 2015. Collection method: clinical testing. Allele origin: germline.